The following is an entry in ClinVar:

NM_000455.5(STK11):c.1116C>A (p.Val372=)

Gene: STK11 (serine/threonine kinase 11; plus strand). Cytogenetic location: 19p13.3.
Variant type: single nucleotide variant.
Coding change: c.1116C>A on transcript NM_000455.5 (MANE Select); coding-DNA position 1116, C replaced by A.
Protein change: p.Val372=; no amino-acid change (valine 372 retained).
Molecular consequence: synonymous variant. On other transcripts: non-coding transcript variant (1).
Genome position (GRCh38, 1-based): chr19:1,226,461, C>A. VCF-style: chr19-1226461-C-A. GRCh37 (hg19) VCF-style: chr19-1226460-C-A.
Identifiers: ClinVar variation 3903614 (VCV003903614.1).

ClinVar aggregate classification (germline): Benign (1 of 4 stars; one submission).

Conditions:
Peutz-Jeghers syndrome (PJS). Also called: POLYPOSIS, HAMARTOMATOUS INTESTINAL; POLYPS-AND-SPOTS SYNDROME; Peutz-Jeghers polyposis; Periorificial lentiginosis syndrome. Identifiers: Orphanet 2869, MedGen C0031269, MeSH D010580, MONDO:0008280, OMIM 175200.

Submission:

Myriad Genetics, Inc.
Classification: Benign for Peutz-Jeghers syndrome. Last evaluated: 2025-03-28. Review status: criteria provided, single submitter. Criteria: Myriad Autosomal Dominant, Autosomal Recessive and X-Linked Classification Criteria (2023). Collection method: clinical testing. Allele origin: unknown.
Comment: This variant is considered benign. This variant is a silent/synonymous amino acid change and it is not expected to impact splicing.